The following is an entry in ClinVar:

ClinVar aggregate classification (germline): Uncertain significance (0 of 4 stars; one submission).

Conditions:
Autism (AUTS). Also called: Autistic disorder of childhood onset; Autistic disorder. Identifiers: MedGen C0004352, MeSH D001321, MONDO:0005260, OMIM 209850, HP:0000717.

Submission:

Centre for Addiction & Mental Health
Classification: Uncertain significance for Autism. Review status: no assertion criteria provided. Collection method: research. Allele origin: de novo. Affected: yes. Observed: 1 heterozygote. Segregation with disease not observed.
Comment: Gene not previously associated with disease; independent supporting evidence needed

NM_152906.7(TANGO2):c.459C>G (p.Tyr153Ter)

Gene: TANGO2 (transport and golgi organization 2 homolog; plus strand). Cytogenetic location: 22q11.21.
Variant type: single nucleotide variant.
Coding change: c.459C>G on transcript NM_152906.7 (MANE Select); coding-DNA position 459, C replaced by G.
Protein change: p.Tyr153Ter; replaces tyrosine 153 with a stop codon.
Molecular consequence: nonsense. On other transcripts: non-coding transcript variant (3), intron variant (4).
Genome position (GRCh38, 1-based): chr22:20,061,537, C>G. VCF-style: chr22-20061537-C-G. GRCh37 (hg19) VCF-style: chr22-20049060-C-G.
Other names: c.459C>G, p.Tyr153Ter (NM_001283106.3, NM_001283116.3, NM_001283148.3 and 2 more transcripts); c.582C>G, p.Tyr194Ter (NM_001283129.3, NM_001322141.2, NM_001322143.2 and 1 more transcripts); c.273C>G, p.Tyr91Ter (NM_001283179.3, NM_001283186.3, NM_001322163.2 and 3 more transcripts); c.165C>G, p.Tyr55Ter (NM_001283235.3, NM_001322150.2, NM_001322153.2 and 6 more transcripts); c.396C>G, p.Tyr132Ter (NM_001322145.2, NM_001322147.2); c.357C>G, p.Tyr119Ter (NM_001322146.2, NM_001322148.2, NM_001322160.2); c.381-1801C>G (NM_001283199.3); c.575-3005C>G (NM_001283215.3); and 2 more; short protein forms Y119*, Y132*, Y153*, Y194*, Y55*, Y91*.
Identifiers: ClinVar variation 3338226 (VCV003338226.2).